The following is an entry in ClinVar:

NM_015087.5(SPART):c.118G>A (p.Glu40Lys)

Gene: SPART (spartin; minus strand). Cytogenetic location: 13q13.3.
Variant type: single nucleotide variant.
Coding change: c.118G>A on transcript NM_015087.5 (MANE Select); coding-DNA position 118, G replaced by A.
Protein change: p.Glu40Lys; replaces glutamic acid 40 with lysine.
Molecular consequence: missense variant.
Genome position (GRCh38, 1-based): chr13:36,335,713, C>T on the plus strand (G>A on the coding strand, the complement: SPART is on the minus strand). VCF-style: chr13-36335713-C-T. GRCh37 (hg19) VCF-style: chr13-36909850-C-T.
Other names: c.118G>A, p.Glu40Lys (NM_001142294.2, NM_001142295.2, NM_001142296.2); short protein forms E40K.
Identifiers: ClinVar variation 2191269 (VCV002191269.1), dbSNP rs768873644, ClinGen allele CA6949687.

ClinVar aggregate classification (germline): Uncertain significance (1 of 4 stars; one submission).

Allele frequency attached by ClinVar (database versions not stated): TOPMed below 0.00001; gnomAD 0.00001; gnomAD exomes 0.00001; ExAC 0.00002.
gnomAD v4.1: 13 of 1,614,038 alleles (0.00081%); highest among the groups gnomAD compares: Admixed American, 0.013%; no homozygotes.

Submission:

Labcorp Genetics (formerly Invitae), Labcorp
Classification: Uncertain significance. Last evaluated: 2022-05-19. Review status: criteria provided, single submitter. Criteria: Invitae Variant Classification Sherloc (09022015). Collection method: clinical testing. Allele origin: germline.
Comment: This sequence change replaces glutamic acid, which is acidic and polar, with lysine, which is basic and polar, at codon 40 of the SPART protein (p.Glu40Lys). This variant is present in population databases (rs768873644, gnomAD 0.009%). This variant has not been reported in the literature in individuals affected with SPART-related conditions. Algorithms developed to predict the effect of missense changes on protein structure and function (SIFT, PolyPhen-2, Align-GVGD) all suggest that this variant is likely to be tolerated. In summary, the available evidence is currently insufficient to determine the role of this variant in disease. Therefore, it has been classified as a Variant of Uncertain Significance.